The following is an entry in ClinVar:

NC_000011.9:g.(?_66283001)_(66287229_?)del

Gene: BBS1 (Bardet-Biedl syndrome 1; plus strand). Cytogenetic location: 11q13.2.
Variant type: Deletion.
Identifiers: ClinVar variation 1426641 (VCV001426641.4).

ClinVar aggregate classification (germline): Pathogenic (1 of 4 stars; one submission).

Conditions:
Bardet-Biedl syndrome (BBS). Identifiers: Orphanet 110, MedGen C0752166, MONDO:0015229.

Submission:

Labcorp Genetics (formerly Invitae), Labcorp
Classification: Pathogenic for Bardet-Biedl syndrome. Last evaluated: 2021-08-13. Review status: criteria provided, single submitter. Criteria: Invitae Variant Classification Sherloc (09022015). Collection method: clinical testing. Allele origin: germline.
Comment: This variant is a gross deletion of the genomic region encompassing exon(s) 5-8 of the BBS1 gene. This variant would be expected to be in-frame, preserving the integrity of the reading frame. This variant has not been reported in the literature in individuals affected with BBS1-related conditions. This variant disrupts a region of the BBS1 protein in which other variant(s) (p.Asp148) have been determined to be pathogenic (PMID: 20498079, 23559858). This suggests that this is a clinically significant region of the protein, and that variants that disrupt it are likely to be disease-causing. For these reasons, this variant has been classified as Pathogenic.

Literature cited by the submitters: PubMed 20498079; PubMed 23559858.